The following is an entry in ClinVar:

ClinVar aggregate classification (germline): Uncertain significance (1 of 4 stars; one submission).

Submission:

Labcorp Genetics (formerly Invitae), Labcorp
Classification: Uncertain significance. Last evaluated: 2025-09-24. Review status: criteria provided, single submitter. Criteria: Invitae Variant Classification Sherloc (09022015). Collection method: clinical testing. Allele origin: germline.
Comment: This sequence change replaces proline, which is neutral and non-polar, with serine, which is neutral and polar, at codon 448 of the NPAT protein (p.Pro448Ser). This variant is not present in population databases (gnomAD no frequency). This variant has not been reported in the literature in individuals affected with NPAT-related conditions. An algorithm developed to predict the effect of missense changes on protein structure and function outputs the following: PolyPhen-2: "Benign". The serine amino acid residue is found in multiple mammalian species, which suggests that this missense change does not adversely affect protein function. In summary, the available evidence is currently insufficient to determine the role of this variant in disease. Therefore, it has been classified as a Variant of Uncertain Significance.

NM_002519.3(NPAT):c.1342C>T (p.Pro448Ser)

Gene: NPAT (nuclear protein, coactivator of histone transcription; minus strand). Cytogenetic location: 11q22.3.
Variant type: single nucleotide variant.
Coding change: c.1342C>T on transcript NM_002519.3 (MANE Select); coding-DNA position 1342, C replaced by T.
Protein change: p.Pro448Ser; replaces proline 448 with serine.
Molecular consequence: missense variant.
Genome position (GRCh38, 1-based): chr11:108,173,642, G>A on the plus strand (C>T on the coding strand, the complement: NPAT is on the minus strand). VCF-style: chr11-108173642-G-A. GRCh37 (hg19) VCF-style: chr11-108044369-G-A.
Other names: c.1342C>T, p.Pro448Ser (NM_001321307.1); short protein forms P448S.
Identifiers: ClinVar variation 4696894 (VCV004696894.1).